The following is an entry in ClinVar:

NM_016341.4(PLCE1):c.1512T>C (p.Ser504=)

Gene: PLCE1 (phospholipase C epsilon 1; plus strand). Cytogenetic location: 10q23.33.
Variant type: single nucleotide variant.
Coding change: c.1512T>C on transcript NM_016341.4 (MANE Select); coding-DNA position 1512, T replaced by C.
Protein change: p.Ser504=; no amino-acid change (serine 504 retained).
Molecular consequence: synonymous variant.
Genome position (GRCh38, 1-based): chr10:94,171,199, T>C. VCF-style: chr10-94171199-T-C. GRCh37 (hg19) VCF-style: chr10-95930956-T-C.
Other names: c.1512T>C (NM_016341.3); c.588T>C, p.Ser196= (NM_001165979.2); c.1512T>C, p.Ser504= (NM_001288989.2).
Identifiers: ClinVar variation 2872887 (VCV002872887.5), dbSNP rs369110592, ClinGen allele CA5612411.

ClinVar aggregate classification (germline): Likely benign. Review status: criteria provided, single submitter (1 of 4 stars). 2 submissions from 2 submitters: Likely benign (1). 1 of the submissions does not count toward it. Last evaluated 2023-06-06.

Conditions:
PLCE1-related disorder. Also called: PLCE1-related condition.

Allele frequency attached by ClinVar (database versions not stated): ExAC 0.00001; gnomAD 0.00001; gnomAD exomes 0.00001; ESP Exome Variant Server 0.00008.
gnomAD v4.1: 15 of 1,614,088 alleles (0.00093%); highest among the groups gnomAD compares: Non-Finnish European, 0.0012%; no homozygotes.

Submissions (2):

Labcorp Genetics (formerly Invitae), Labcorp
Classification: Likely benign. Last evaluated: 2023-06-06. Review status: criteria provided, single submitter. Criteria: Invitae Variant Classification Sherloc (09022015). Collection method: clinical testing. Allele origin: germline.

PreventionGenetics, part of Exact Sciences
Classification: Likely benign for PLCE1-related condition. Last evaluated: 2022-01-03. Review status: no assertion criteria provided. Collection method: clinical testing. Allele origin: germline. Not counted in ClinVar's aggregate classification.
Comment: This variant is classified as likely benign based on ACMG/AMP sequence variant interpretation guidelines (Richards et al. 2015 PMID: 25741868, with internal and published modifications).